The following is an entry in ClinVar:

NM_000049.4(ASPA):c.40del (p.Val14fs)

Genes: ASPA (aspartoacylase; plus strand), SPATA22 (spermatogenesis associated 22; minus strand). Cytogenetic location: 17p13.2.
Variant type: Deletion.
Coding change: c.40del on transcript NM_000049.4 (MANE Select); coding-DNA position 40, one base deleted (G; older notation c.40delG).
Protein change: p.Val14fs; shifts the reading frame from valine 14.
Molecular consequence: frameshift variant. On other transcripts: intron variant (2).
Genome position (GRCh38, 1-based): chr17:3,476,199, G deleted; the last of 2 consecutive G bases (chr17:3,476,198-3,476,199); deleting either gives the same sequence. VCF-style (leftmost placement, unchanged base first): chr17-3476197-AG-A. GRCh37 (hg19) VCF-style: chr17-3379491-AG-A.
Other names: c.40del, p.Val14fs (NM_001128085.1); c.-73-6800del (NM_001321336.2, NM_001321337.2); short protein forms V14fs.
Identifiers: ClinVar variation 2678923 (VCV002678923.3), dbSNP rs2543606405, ClinGen allele CA2695201212.

ClinVar aggregate classification (germline): Pathogenic/Likely pathogenic. Review status: criteria provided, multiple submitters, no conflicts (2 of 4 stars). 2 submissions from 2 submitters: Pathogenic (1); Likely pathogenic (1). Last evaluated 2024-02-02.

Conditions:
Spongy degeneration of central nervous system. Also called: ACY2 DEFICIENCY; AMINOACYLASE 2 DEFICIENCY; ASP DEFICIENCY; ASPA DEFICIENCY; ASPARTOACYLASE DEFICIENCY; CANAVAN-VAN BOGAERT-BERTRAND DISEASE. Identifiers: Orphanet 141, MedGen C0206307, MONDO:0010079, OMIM 271900.

Submissions (2):

Labcorp Genetics (formerly Invitae), Labcorp
Classification: Pathogenic for Spongy degeneration of central nervous system. Last evaluated: 2024-02-02. Review status: criteria provided, single submitter. Criteria: Invitae Variant Classification Sherloc (09022015). Collection method: clinical testing. Allele origin: germline.
Comment: This sequence change creates a premature translational stop signal (p.Val14Leufs*12) in the ASPA gene. It is expected to result in an absent or disrupted protein product. Loss-of-function variants in ASPA are known to be pathogenic (PMID: 12638939). This variant is not present in population databases (gnomAD no frequency). This variant has not been reported in the literature in individuals affected with ASPA-related conditions. For these reasons, this variant has been classified as Pathogenic.

Baylor Genetics
Classification: Likely pathogenic for Spongy degeneration of central nervous system. Last evaluated: 2022-12-12. Review status: criteria provided, single submitter. Criteria: ACMG Guidelines, 2015. Collection method: clinical testing. Allele origin: unknown.

Literature cited by the submitters: PubMed 12638939 (cited by Labcorp Genetics (formerly Invitae), Labcorp).